The following is an entry in ClinVar:

NM_025099.6(CTC1):c.892G>T (p.Val298Phe)

Gene: CTC1 (CST telomere replication complex component 1; minus strand). Cytogenetic location: 17p13.1.
Variant type: single nucleotide variant.
Coding change: c.892G>T on transcript NM_025099.6 (MANE Select); coding-DNA position 892, G replaced by T.
Protein change: p.Val298Phe; replaces valine 298 with phenylalanine.
Molecular consequence: missense variant. On other transcripts: non-coding transcript variant (1).
Genome position (GRCh38, 1-based): chr17:8,236,243, C>A on the plus strand (G>T on the coding strand, the complement: CTC1 is on the minus strand). VCF-style: chr17-8236243-C-A. GRCh37 (hg19) VCF-style: chr17-8139561-C-A.
Other names: short protein forms V298F.
Identifiers: ClinVar variation 1500116 (VCV001500116.8), dbSNP rs2151523686, ClinGen allele CA397988655.

ClinVar aggregate classification (germline): Uncertain significance (1 of 4 stars; one submission).

Conditions:
Dyskeratosis congenita. Identifiers: Orphanet 1775, MedGen C0265965, MONDO:0015780.

Submission:

Labcorp Genetics (formerly Invitae), Labcorp
Classification: Uncertain significance for Dyskeratosis congenita. Last evaluated: 2022-06-13. Review status: criteria provided, single submitter. Criteria: Invitae Variant Classification Sherloc (09022015). Collection method: clinical testing. Allele origin: germline.
Comment: In summary, the available evidence is currently insufficient to determine the role of this variant in disease. Therefore, it has been classified as a Variant of Uncertain Significance. Algorithms developed to predict the effect of missense changes on protein structure and function are either unavailable or do not agree on the potential impact of this missense change (SIFT: "Deleterious"; PolyPhen-2: "Possibly Damaging"; Align-GVGD: "Class C0"). This variant has not been reported in the literature in individuals affected with CTC1-related conditions. This variant is not present in population databases (gnomAD no frequency). This sequence change replaces valine, which is neutral and non-polar, with phenylalanine, which is neutral and non-polar, at codon 298 of the CTC1 protein (p.Val298Phe).